The following is an entry in ClinVar:

NM_000218.3(KCNQ1):c.1051T>G (p.Phe351Val)

Gene: KCNQ1 (potassium voltage-gated channel subfamily Q member 1; plus strand). Cytogenetic location: 11p15.5.
Variant type: single nucleotide variant.
Coding change: c.1051T>G on transcript NM_000218.3 (MANE Select); coding-DNA position 1051, T replaced by G.
Protein change: p.Phe351Val; replaces phenylalanine 351 with valine.
Molecular consequence: missense variant. On other transcripts: intron variant (2).
Genome position (GRCh38, 1-based): chr11:2,585,230, T>G. VCF-style: chr11-2585230-T-G. GRCh37 (hg19) VCF-style: chr11-2606460-T-G.
Other names: c.781T>G, p.Phe261Val (NM_001406837.1); c.670T>G, p.Phe224Val (NM_181798.2); c.1032+1685T>G (NM_001406836.1); c.588+1685T>G (NM_001406838.1); short protein forms F224V, F261V, F351V.
Identifiers: ClinVar variation 4855366 (VCV004855366.1).
Genomic context (GRCh38, chr11:2,585,230, plus strand): 5'-GTGGCCTGTGTGGACGGGAGCCTCCTGTCCATTCCTTCCCAGGGGATTCTTGGCTCGGGG[T>G]TTGCCCTGAAGGTGCAGCAGAAGCAGAGGCAGAAGCACTTCAACCGGCAGATCCCGGCGG-3'
Protein context (NP_000209.2, residues 341-361): ALPAGILGSG[Phe351Val]ALKVQQKQRQ

ClinVar aggregate classification (germline): Uncertain significance (1 of 4 stars; one submission).

Conditions:
Long QT syndrome 1 (LQT1). Identifiers: Orphanet 101016, Orphanet 768, MedGen C4551647, MONDO:0100316, OMIM 192500, MONDO:0008646.

Submission:

3billion
Classification: Uncertain significance for Long QT syndrome 1. Last evaluated: 2025-11-10. Review status: criteria provided, single submitter. Criteria: ACMG Guidelines, 2015. Collection method: clinical testing. Allele origin: germline. Affected: yes.
Comment: The variant is not observed in the gnomAD v4.1.0 dataset. Predicted Consequence/Location: Missense variant In silico tool predictions suggest damaging effect of the variant on gene or gene product [REVEL: 0.94 (>=0.6, sensitivity 0.68 and specificity 0.92); 3Cnet: 0.98 (> 0.75, sensitivity 0.96 and precision 0.92)]. Different missense changes at the same codon (p.Phe351Leu, p.Phe351Ser) have been reported as pathogenic/likely pathogenic with strong evidence (ClinVar ID: VCV000207968 /PMID: 16414944, 27041150). Therefore, this variant is classified as VUS according to the recommendation of ACMG/AMP guideline.

Literature cited by the submitters: PubMed 16414944.